The following is an entry in ClinVar:

ClinVar aggregate classification (germline): Uncertain significance. Review status: criteria provided, multiple submitters, no conflicts (2 of 4 stars). 3 submissions from 3 submitters: Uncertain significance (3). Last evaluated 2025-05-30.

Conditions:
Familial cancer of breast. Also called: BREAST CANCER, FAMILIAL; Hereditary breast cancer; hereditary breast carcinoma. Identifiers: Orphanet 227535, MedGen C0346153, MONDO:0016419, OMIM 114480. Disease mechanism: loss of function.
Hereditary cancer-predisposing syndrome. Also called: Neoplastic Syndromes, Hereditary; Tumor predisposition; Hereditary neoplastic syndrome; Hereditary Cancer Syndrome. Identifiers: Orphanet 140162, MedGen C0027672, MeSH D009386, MONDO:0015356.

Allele frequency attached by ClinVar (database versions not stated): gnomAD exomes below 0.00001; TOPMed below 0.00001; gnomAD 0.00001.

Submissions (3):

Labcorp Genetics (formerly Invitae), Labcorp
Classification: Uncertain significance for Familial cancer of breast. Last evaluated: 2025-05-30. Review status: criteria provided, single submitter. Criteria: Invitae Variant Classification Sherloc (09022015). Collection method: clinical testing. Allele origin: germline.
Comment: This sequence change replaces glycine, which is neutral and non-polar, with aspartic acid, which is acidic and polar, at codon 1145 of the PALB2 protein (p.Gly1145Asp). This variant is present in population databases (no rsID available, gnomAD 0.003%). This variant has not been reported in the literature in individuals affected with PALB2-related conditions. ClinVar contains an entry for this variant (Variation ID: 823769). An algorithm developed to predict the effect of missense changes on protein structure and function (PolyPhen-2) suggests that this variant is likely to be disruptive. In summary, the available evidence is currently insufficient to determine the role of this variant in disease. Therefore, it has been classified as a Variant of Uncertain Significance.

Ambry Genetics
Classification: Uncertain significance for Hereditary cancer-predisposing syndrome. Last evaluated: 2024-07-09. Review status: criteria provided, single submitter. Criteria: Ambry Variant Classification Scheme 2023. Collection method: clinical testing. Allele origin: germline.
Comment: The p.G1145D variant (also known as c.3434G>A), located in coding exon 13 of the PALB2 gene, results from a G to A substitution at nucleotide position 3434. The glycine at codon 1145 is replaced by aspartic acid, an amino acid with similar properties. This amino acid position is highly conserved in available vertebrate species. In addition, the in silico prediction for this alteration is inconclusive. Since supporting evidence is limited at this time, the clinical significance of this alteration remains unclear.

GeneDx
Classification: Uncertain significance. Last evaluated: 2019-06-25. Review status: criteria provided, single submitter. Criteria: GeneDx Variant Classification Process June 2021. Collection method: clinical testing. Allele origin: germline. Affected: yes.
Comment: Not observed at a significant frequency in large population cohorts (Lek et al., 2016); In silico analysis, which includes protein predictors and evolutionary conservation, supports a deleterious effect; Has not been previously published as pathogenic or benign to our knowledge

NM_024675.4(PALB2):c.3434G>A (p.Gly1145Asp)

Gene: PALB2 (partner and localizer of BRCA2; minus strand). Cytogenetic location: 16p12.2.
Variant type: single nucleotide variant.
Coding change: c.3434G>A on transcript NM_024675.4 (MANE Select); coding-DNA position 3434, G replaced by A.
Protein change: p.Gly1145Asp; replaces glycine 1145 with aspartic acid.
Molecular consequence: missense variant.
Genome position (GRCh38, 1-based): chr16:23,603,586, C>T on the plus strand (G>A on the coding strand, the complement: PALB2 is on the minus strand). VCF-style: chr16-23603586-C-T. GRCh37 (hg19) VCF-style: chr16-23614907-C-T.
Other names: short protein forms G1145D.
Identifiers: ClinVar variation 823769 (VCV000823769.14), dbSNP rs1442377872, ClinGen allele CA395138163.
Genomic context (GRCh38, chr16:23,603,586, plus strand): 5'-GACCATTTCACAAAAGACCAATGTTGGTCAGAGACAGGTGGGAGGAGGGCAGTACACTGA[C>T]CGAGAAGTAAGTCCCAAATGGCAATTGTTCCAGAAGTCAAGATTGCTGCTGCACAGTGAT-3'
Protein context (NP_078951.2, residues 1135-1155): GTIAIWDLLL[Gly1145Asp]QCTALLPPVS